The following is an entry in ClinVar:

NM_015375.3(DSTYK):c.1394A>G (p.Gln465Arg)

Gene: DSTYK (dual serine/threonine and tyrosine protein kinase; minus strand). Cytogenetic location: 1q32.1.
Variant type: single nucleotide variant.
Coding change: c.1394A>G on transcript NM_015375.3 (MANE Select); coding-DNA position 1394, A replaced by G.
Protein change: p.Gln465Arg; replaces glutamine 465 with arginine.
Molecular consequence: missense variant.
Genome position (GRCh38, 1-based): chr1:205,163,886, T>C on the plus strand (A>G on the coding strand, the complement: DSTYK is on the minus strand). VCF-style: chr1-205163886-T-C. GRCh37 (hg19) VCF-style: chr1-205133014-T-C.
Other names: c.1394A>G, p.Gln465Arg (NM_199462.3); short protein forms Q465R.
Identifiers: ClinVar variation 3235733 (VCV003235733.1), dbSNP rs2526841964, ClinGen allele CA344397866.

ClinVar aggregate classification (germline): Likely pathogenic (1 of 4 stars; one submission).

Conditions:
Congenital anomalies of kidney and urinary tract 1. Also called: Renal hypodysplasia, nonsyndromic, 1; Congenital anomalies of kidney and urinary tract 1, susceptibility to. Identifiers: MedGen C1835826, MONDO:0012561, OMIM 610805.

Submission:

Greenwood Genetic Center Diagnostic Laboratories, Greenwood Genetic Center
Classification: Likely pathogenic for Congenital anomalies of kidney and urinary tract 1. Last evaluated: 2024-02-09. Review status: criteria provided, single submitter. Criteria: ACMG Guidelines, 2015. Collection method: clinical testing. Allele origin: germline. Affected: yes.
Comment: PS2, PM2